The following is an entry in ClinVar:

NM_002878.4(RAD51D):c.223del (p.Glu74_Leu75insTer)

Genes: RAD51L3-RFFL (RAD51L3-RFFL readthrough; minus strand), RAD51D (RAD51 paralog D; minus strand). Cytogenetic location: 17q12.
Variant type: Deletion.
Coding change: c.223del on transcript NM_002878.4 (MANE Select); coding-DNA position 223, one base deleted (C; older notation c.223delC).
Protein change: p.Glu74_Leu75insTer.
Molecular consequence: nonsense. On other transcripts: intron variant (2).
Genome position (GRCh38, 1-based): chr17:35,118,541, G deleted on the plus strand (C on the coding strand, the reverse complement: RAD51D is on the minus strand). VCF-style (leftmost placement, unchanged base first): chr17-35118540-AG-A. GRCh37 (hg19) VCF-style: chr17-33445559-AG-A.
Other names: c.144+570del (NM_133629.3, NM_001142571.2).
Identifiers: ClinVar variation 1788255 (VCV001788255.3), dbSNP rs2509181607, ClinGen allele CA2580093203.
Genomic context (GRCh38, chr17:35,118,540, plus strand): 5'-TCCCCAAGTACACACACAAACCTGCCAATGCCAGTGGACAGGATGGCAGTGGAGGTCTTC[AG>A]TTCCTCGTAGAGATCAGCGCCATTCACGGGGAAAGCCGAGAACTGAGCCAGCAGCACCCG-3'

ClinVar aggregate classification (germline): Pathogenic. Review status: criteria provided, multiple submitters, no conflicts (2 of 4 stars). 2 submissions from 2 submitters: Pathogenic (2). Last evaluated 2025-01-14.

Conditions:
Hereditary cancer-predisposing syndrome. Also called: Neoplastic Syndromes, Hereditary; Tumor predisposition; Hereditary Cancer Syndrome; Hereditary neoplastic syndrome. Identifiers: Orphanet 140162, MedGen C0027672, MeSH D009386, MONDO:0015356.
Breast-ovarian cancer, familial, susceptibility to, 4. Identifiers: Orphanet 145, MedGen C3280345, MONDO:0013669, OMIM 614291.

Submissions (2):

Ambry Genetics
Classification: Pathogenic for Hereditary cancer-predisposing syndrome. Last evaluated: 2025-01-14. Review status: criteria provided, single submitter. Criteria: Ambry Variant Classification Scheme 2023. Collection method: clinical testing. Allele origin: germline.
Comment: The c.223delC pathogenic mutation, located in coding exon 3 of the RAD51D gene, results from a deletion of one nucleotide at nucleotide position 223, causing a translational frameshift with a predicted alternate stop codon (p.L75*). This variant is considered to be rare based on population cohorts in the Genome Aggregation Database (gnomAD). This alteration is expected to result in loss of function by premature protein truncation or nonsense-mediated mRNA decay. As such, this alteration is interpreted as a disease-causing mutation.

Myriad Genetics, Inc.
Classification: Pathogenic for Breast-ovarian cancer, familial, susceptibility to, 4. Last evaluated: 2024-01-04. Review status: criteria provided, single submitter. Criteria: Myriad Autosomal Dominant, Autosomal Recessive and X-Linked Classification Criteria (2023). Collection method: clinical testing. Allele origin: unknown.
Comment: This variant is considered pathogenic. This variant creates a termination codon and is predicted to result in premature protein truncation.